The following is an entry in ClinVar:

ClinVar aggregate classification (germline): Likely pathogenic (1 of 4 stars; one submission).

Conditions:
Intellectual disability. Also called: Intellectual functioning disability; intellectual disabilities; Intellectual developmental disorder. Identifiers: MedGen C3714756, MeSH D008607, MONDO:0001071, HP:0001249.

Submission:

Genetics Laboratory, UDIAT-Centre Diagnòstic, Hospital Universitari Parc Tauli
Classification: Likely pathogenic for intellectual disability. Last evaluated: 2024-01-11. Review status: criteria provided, single submitter. Criteria: ACMG Guidelines, 2015. Collection method: clinical testing. Allele origin: unknown. Inheritance: Autosomal dominant inheritance. Affected: yes.
Comment: PVS1_very strong;PM2_supporting;PM6_moderate

NM_005722.4(ACTR2):c.752_753del (p.Ile251fs)

Gene: ACTR2 (actin related protein 2; plus strand). Cytogenetic location: 2p14.
Variant type: Deletion.
Coding change: c.752_753del on transcript NM_005722.4 (MANE Select); coding-DNA positions 752 to 753, 2 bases deleted (TC; older notation c.752_753delTC).
Protein change: p.Ile251fs; shifts the reading frame from isoleucine 251.
Molecular consequence: frameshift variant.
Genome position (GRCh38, 1-based): chr2:65,261,263-65,261,264, TC deleted. VCF-style (leftmost placement, unchanged base first): chr2-65261262-ATC-A. GRCh37 (hg19) VCF-style: chr2-65488396-ATC-A.
Other names: c.767_768del, p.Ile256fs (NM_001005386.3); short protein forms I251fs, I256fs.
Identifiers: ClinVar variation 3897632 (VCV003897632.1).